The following is an entry in ClinVar:

NM_001365480.1(CCDC88A):c.4849A>G (p.Arg1617Gly)

Gene: CCDC88A (coiled-coil and HOOK domain protein 88A; minus strand). Cytogenetic location: 2p16.1.
Variant type: single nucleotide variant.
Coding change: c.4849A>G on transcript NM_001365480.1 (MANE Select); coding-DNA position 4849, A replaced by G.
Protein change: p.Arg1617Gly; replaces arginine 1617 with glycine.
Molecular consequence: missense variant.
Genome position (GRCh38, 1-based): chr2:55,296,500, T>C on the plus strand (A>G on the coding strand, the complement: CCDC88A is on the minus strand). VCF-style: chr2-55296500-T-C. GRCh37 (hg19) VCF-style: chr2-55523636-T-C.
Other names: c.4846A>G, p.Arg1616Gly (NM_001135597.2, NM_001254943.2); c.4765A>G, p.Arg1589Gly (NM_018084.5); short protein forms R1589G, R1616G, R1617G.
Identifiers: ClinVar variation 1718223 (VCV001718223.5), dbSNP rs2544700705, ClinGen allele CA346912783.
Genomic context (GRCh38, chr2:55,296,500, plus strand): 5'-TGGACCAAGCCTCATGGTCATGAAGCAGGCTAAATTCTCCACTGCTGTGGCTTTGTGGCC[T>C]GCTTTGGTTATTAACTGCACCTGCTTTTGGAGTAAATGGGGTGTTGAGATTTCAATAATA-3'
Protein context (NP_001352409.1, residues 1607-1627): VKAGAVNNQS[Arg1617Gly]PQSHSSGEFS

ClinVar aggregate classification (germline): Uncertain significance (1 of 4 stars; one submission).

Submission:

Labcorp Genetics (formerly Invitae), Labcorp
Classification: Uncertain significance. Last evaluated: 2022-08-30. Review status: criteria provided, single submitter. Criteria: Invitae Variant Classification Sherloc (09022015). Collection method: clinical testing. Allele origin: germline.
Comment: In summary, the available evidence is currently insufficient to determine the role of this variant in disease. Therefore, it has been classified as a Variant of Uncertain Significance. Algorithms developed to predict the effect of missense changes on protein structure and function are either unavailable or do not agree on the potential impact of this missense change (SIFT: "Deleterious"; PolyPhen-2: "Probably Damaging"; Align-GVGD: "Class C0"). This variant has not been reported in the literature in individuals affected with CCDC88A-related conditions. This variant is not present in population databases (gnomAD no frequency). This sequence change replaces arginine, which is basic and polar, with glycine, which is neutral and non-polar, at codon 1616 of the CCDC88A protein (p.Arg1616Gly).